The following is an entry in ClinVar:

ClinVar aggregate classification (germline): Likely benign. Review status: criteria provided, multiple submitters, no conflicts (2 of 4 stars). 2 submissions from 2 submitters: Likely benign (2). Last evaluated 2025-06-04.

Conditions:
Tuberous sclerosis 2 (TSC2). Identifiers: Orphanet 805, MedGen C1860707, MONDO:0013199, OMIM 613254.

Submissions (2):

Myriad Genetics, Inc.
Classification: Likely benign for Tuberous sclerosis 2. Last evaluated: 2025-06-04. Review status: criteria provided, single submitter. Criteria: Myriad Autosomal Dominant, Autosomal Recessive and X-Linked Classification Criteria (2023). Collection method: clinical testing. Allele origin: unknown.
Comment: This variant is considered likely benign. This variant is intronic and is not expected to impact mRNA splicing.

Labcorp Genetics (formerly Invitae), Labcorp
Classification: Likely benign for Tuberous sclerosis 2. Last evaluated: 2022-07-19. Review status: criteria provided, single submitter. Criteria: Invitae Variant Classification Sherloc (09022015). Collection method: clinical testing. Allele origin: germline.

NM_000548.5(TSC2):c.4570-23_4570-13del

Gene: TSC2 (TSC complex subunit 2; plus strand). Cytogenetic location: 16p13.3.
Variant type: Deletion.
Coding change: c.4570-23_4570-13del on transcript NM_000548.5 (MANE Select); 23 bases into the intron before coding-DNA position 4570 through 13 bases into the intron before coding-DNA position 4570, 11 bases deleted (AGGCAGGGCTC).
Molecular consequence: intron variant.
Genome position (GRCh38, 1-based): chr16:2,085,207-2,085,217, AGGCAGGGCTC deleted; deleting any 11 consecutive bases within chr16:2,085,201-2,085,217 gives the same sequence; the c. name uses the placement nearest the transcript's 3' end. VCF-style (leftmost placement, unchanged base first): chr16-2085200-GGGGCTCAGGCA-G. GRCh37 (hg19) VCF-style: chr16-2135201-GGGGCTCAGGCA-G.
Other names: c.4501-23_4501-13del (NM_001114382.3); c.4441-23_4441-13del (NM_021055.3, NM_001370405.1); c.4372-23_4372-13del (NM_001363528.2); c.4438-23_4438-13del (NM_001370404.1); c.4369-23_4369-13del (NM_001077183.3); c.4261-23_4261-13del (NM_001318827.2); c.3838-23_3838-13del (NM_001318831.2); c.4225-23_4225-13del (NM_001318829.2); and 1 more.
Identifiers: ClinVar variation 1613386 (VCV001613386.9), dbSNP rs1187880097, ClinGen allele CA2573151923.